The following is an entry in ClinVar:

ClinVar aggregate classification (germline): Pathogenic (1 of 4 stars; one submission).

Conditions:
Episodic ataxia type 2 (EA2). Also called: ATAXIA, EPISODIC, WITH NYSTAGMUS; ATAXIA, FAMILIAL PAROXYSMAL; CEREBELLAR ATAXIA, PAROXYSMAL, ACETAZOLAMIDE-RESPONSIVE; CEREBELLOPATHY, HEREDITARY PAROXYSMAL; EPISODIC ATAXIA, NYSTAGMUS-ASSOCIATED; ACETAZOLAMIDE-RESPONSIVE HEREDITARY PAROXYSMAL CEREBELLAR ATAXIA. Identifiers: Orphanet 97, MedGen C1720416, MONDO:0007163, OMIM 108500.
Developmental and epileptic encephalopathy, 42 (DEE42A). Also called: Epileptic encephalopathy, early infantile, 42; DEVELOPMENTAL AND EPILEPTIC ENCEPHALOPATHY 42A; EPILEPTIC ENCEPHALOPATHY, EARLY INFANTILE, 42A. Identifiers: MedGen C4310716, MONDO:0014917, OMIM 617106.

Submission:

Labcorp Genetics (formerly Invitae), Labcorp
Classification: Pathogenic for Developmental and epileptic encephalopathy, 42; Episodic ataxia type 2. Last evaluated: 2021-01-27. Review status: criteria provided, single submitter. Criteria: Invitae Variant Classification Sherloc (09022015). Collection method: clinical testing. Allele origin: germline.
Comment: For these reasons, this variant has been classified as Pathogenic. This variant has not been reported in the literature in individuals with CACNA1A-related conditions. This variant is not present in population databases (ExAC no frequency). This sequence change creates a premature translational stop signal (p.Cys1534*) in the CACNA1A gene. It is expected to result in an absent or disrupted protein product. Loss-of-function variants in CACNA1A are known to be pathogenic (PMID: 10371528, 19486177, 25735478, 27250579).

Literature cited by the submitters: PubMed 10371528; PubMed 19486177; PubMed 25735478; PubMed 27250579.

NM_001127222.2(CACNA1A):c.4599C>A (p.Cys1533Ter)

Gene: CACNA1A (calcium voltage-gated channel subunit alpha1 A; minus strand). Cytogenetic location: 19p13.13.
Variant type: single nucleotide variant.
Coding change: c.4599C>A on transcript NM_001127222.2 (MANE Select); coding-DNA position 4599, C replaced by A.
Protein change: p.Cys1533Ter; replaces cysteine 1533 with a stop codon.
Molecular consequence: nonsense.
Genome position (GRCh38, 1-based): chr19:13,255,251, G>T on the plus strand (C>A on the coding strand, the complement: CACNA1A is on the minus strand). VCF-style: chr19-13255251-G-T. GRCh37 (hg19) VCF-style: chr19-13366065-G-T.
Other names: c.4611C>A, p.Cys1537Ter (NM_000068.4, NM_023035.3); c.4602C>A, p.Cys1534Ter (NM_001127221.2, NM_001174080.2); short protein forms C1533*, C1537*, C1534*.
Identifiers: ClinVar variation 1416873 (VCV001416873.6), dbSNP rs2144735303, ClinGen allele CA404338671.
Genomic context (GRCh38, chr19:13,255,251, plus strand): 5'-GCTCTGCTTGTTCTGCGGCATGTGTCGGGTCAGCGGCTTGGCGCTGATGGCGAAATCAAT[G>T]CAGGCCCTCTGCGGGAGAGAGGCCAGTGGTGAGAGCGGCAGAGGCAGGAGGAAGGTGGCT-3'